The following is an entry in ClinVar:

ClinVar aggregate classification (germline): Uncertain significance (1 of 4 stars; one submission).

gnomAD v4.1: 17 of 1,613,572 alleles (0.0011%); highest among the groups gnomAD compares: Admixed American, 0.0017%; no homozygotes.

Submission:

Labcorp Genetics (formerly Invitae), Labcorp
Classification: Uncertain significance. Last evaluated: 2025-04-15. Review status: criteria provided, single submitter. Criteria: Invitae Variant Classification Sherloc (09022015). Collection method: clinical testing. Allele origin: germline.
Comment: This sequence change replaces arginine, which is basic and polar, with cysteine, which is neutral and slightly polar, at codon 1283 of the CASZ1 protein (p.Arg1283Cys). This variant is present in population databases (no rsID available, gnomAD 0.003%). This variant has not been reported in the literature in individuals affected with CASZ1-related conditions. An algorithm developed to predict the effect of missense changes on protein structure and function (PolyPhen-2) suggests that this variant is likely to be disruptive. Algorithms developed to predict the effect of sequence changes on RNA splicing suggest that this variant may create or strengthen a splice site. In summary, the available evidence is currently insufficient to determine the role of this variant in disease. Therefore, it has been classified as a Variant of Uncertain Significance.

NM_001079843.3(CASZ1):c.3847C>T (p.Arg1283Cys)

Gene: CASZ1 (castor zinc finger 1; minus strand). Cytogenetic location: 1p36.22.
Variant type: single nucleotide variant.
Coding change: c.3847C>T on transcript NM_001079843.3 (MANE Select); coding-DNA position 3847, C replaced by T.
Protein change: p.Arg1283Cys; replaces arginine 1283 with cysteine.
Molecular consequence: missense variant.
Genome position (GRCh38, 1-based): chr1:10,644,938, G>A on the plus strand (C>T on the coding strand, the complement: CASZ1 is on the minus strand). VCF-style: chr1-10644938-G-A. GRCh37 (hg19) VCF-style: chr1-10704995-G-A.
Other names: short protein forms R1283C.
Identifiers: ClinVar variation 4701630 (VCV004701630.1).